The following is an entry in ClinVar:

NM_020312.4(COQ9):c.378+5G>T

Gene: COQ9 (coenzyme Q9; plus strand). Cytogenetic location: 16q21.
Variant type: single nucleotide variant.
Coding change: c.378+5G>T on transcript NM_020312.4 (MANE Select); 5 bases into the intron after coding-DNA position 378, G replaced by T.
Molecular consequence: intron variant.
Genome position (GRCh38, 1-based): chr16:57,452,941, G>T. VCF-style: chr16-57452941-G-T. GRCh37 (hg19) VCF-style: chr16-57486853-G-T.
Identifiers: ClinVar variation 3382519 (VCV003382519.2).

ClinVar aggregate classification (germline): Uncertain significance (1 of 4 stars; one submission).

Conditions:
Encephalopathy-hypertrophic cardiomyopathy-renal tubular disease syndrome. Identifiers: Orphanet 319678, MedGen C3553374, MONDO:0013840, OMIM 614654.

Submission:

Juno Genomics, Hangzhou Juno Genomics, Inc
Classification: Uncertain significance for Encephalopathy-hypertrophic cardiomyopathy-renal tubular disease syndrome. Review status: criteria provided, single submitter. Criteria: ACMG Guidelines, 2015. Collection method: clinical testing. Allele origin: germline. Affected: yes.
Comment: Absent from controls (or at extremely low frequency if recessive) in Genome Aggregation Database, Exome Sequencing Project, 1000 Genomes Project, or Exome Aggregation Consortium.;Multiple lines of computational evidence support a deleterious effect on the gene or gene product (conservation, evolutionary, splicing impact, etc).;For recessive disorders, detected in trans with a pathogenic variant.